The following is an entry in ClinVar:

NC_000023.10:g.(?_13752866)_(13787477_?)dup

Gene: OFD1 (OFD1 centriole and centriolar satellite protein; plus strand). Cytogenetic location: Xp22.2.
Variant type: Duplication.
Identifiers: ClinVar variation 4687464 (VCV004687464.1).

ClinVar aggregate classification (germline): Uncertain significance (1 of 4 stars; one submission).

Submission:

Women's Health and Genetics/Laboratory Corporation of America, LabCorp
Classification: Uncertain significance. Last evaluated: 2025-10-08. Review status: criteria provided, single submitter. Criteria: LabCorp Variant Classification Summary - May 2015. Collection method: clinical testing. Allele origin: germline.
Comment: Variant summary: The variant involves the duplication of exons 1-23 in the OFD1 gene. A presumed nomenclature of c.(?_-325)_(*250_?)dup has been designated for the purposes of this classification. This duplication includes the entire coding sequence of the gene. As exact breakpoints are unknown, it may extend beyond the annotated region of the gene, to include other flanking genes. A large duplication variant which encompasses the entire gene (and also includes other flanking genes) was found at a frequency of 2.1e-05 in 95259 control chromosomes in the gnomAD database (Structural Variants v4.1 dataset). The available data on variant occurrences in the general population are insufficient to allow any conclusion about variant significance. To our knowledge, no occurrence of isolated whole-gene copy number gains of OFD1 have been reported in the literature. However, larger duplication variants that include the full OFD1 gene together with other genes have been described (e.g. Wen_2015, Qiao_2016 and Tolmacheva_2025), without convincing evidence for causality. ClinVar contains an entry for this variant (Variation ID: 3244138). Based on the evidence outlined above, the variant was classified as uncertain significance.

Literature cited by the submitters: PubMed 26826164; PubMed 39985054; PubMed 25674159.